The following is an entry in ClinVar:

NM_001042545.2(LTBP4):c.3668A>T (p.Gln1223Leu)

Gene: LTBP4 (latent transforming growth factor beta binding protein 4; plus strand). Cytogenetic location: 19q13.2.
Variant type: single nucleotide variant.
Coding change: c.3668A>T on transcript NM_001042545.2 (MANE Select); coding-DNA position 3668, A replaced by T.
Protein change: p.Gln1223Leu; replaces glutamine 1223 with leucine.
Molecular consequence: missense variant.
Genome position (GRCh38, 1-based): chr19:40,623,715, A>T. VCF-style: chr19-40623715-A-T. GRCh37 (hg19) VCF-style: chr19-41129620-A-T.
Other names: c.3869A>T, p.Gln1290Leu (NM_001042544.1); c.3758A>T, p.Gln1253Leu (NM_003573.2); short protein forms Q1290L, Q1253L, Q1223L.
Identifiers: ClinVar variation 2164588 (VCV002164588.4), dbSNP rs2515386467, ClinGen allele CA405908095.
Genomic context (GRCh38, chr19:40,623,715, plus strand): 5'-GTGTGAACACGGCCCCGGGCTACTCATGCTATTGCAGCAACGGCTACTACTACCACACAC[A>T]GCGGCTGGAGTGCATCGGTACAAGCCCCACCTCCCCCAACCCCCGGCAACTCTCTCCAAC-3'
Protein context (NP_001036010.1, residues 1213-1233): YCSNGYYYHT[Gln1223Leu]RLECIDNDEC

ClinVar aggregate classification (germline): Uncertain significance (1 of 4 stars; one submission).

Allele frequency attached by ClinVar (database versions not stated): gnomAD exomes below 0.00001.
gnomAD v4.1: 5 of 1,613,828 alleles (0.00031%); highest among the groups gnomAD compares: Middle Eastern, 0.033%; no homozygotes.

Submission:

Labcorp Genetics (formerly Invitae), Labcorp
Classification: Uncertain significance. Last evaluated: 2025-12-01. Review status: criteria provided, single submitter. Criteria: Invitae Variant Classification Sherloc (09022015). Collection method: clinical testing. Allele origin: germline.
Comment: This sequence change replaces glutamine, which is neutral and polar, with leucine, which is neutral and non-polar, at codon 1253 of the LTBP4 protein (p.Gln1253Leu). This variant is not present in population databases (gnomAD no frequency). This variant has not been reported in the literature in individuals affected with LTBP4-related conditions. ClinVar contains an entry for this variant (Variation ID: 2164588). Experimental studies and prediction algorithms are not available or were not evaluated, and the functional significance of this variant is currently unknown. In summary, the available evidence is currently insufficient to determine the role of this variant in disease. Therefore, it has been classified as a Variant of Uncertain Significance.